The following is an entry in ClinVar:

ClinVar aggregate classification (germline): Uncertain significance (1 of 4 stars; one submission).

Conditions:
Epidermolysis bullosa simplex 3, localized or generalized intermediate, with BP230 deficiency (EBS3). Also called: Epidermolysis bullosa simplex due to BP230 deficiency; Epidermolysis bullosa simplex, autosomal recessive 2. Identifiers: Orphanet 412181, MedGen C3809470, MONDO:0014180, OMIM 615425.
Hereditary sensory and autonomic neuropathy type 6. Also called: HSAN VI; Neuropathy, hereditary sensory and autonomic, type VI. Identifiers: Orphanet 314381, MedGen C3539003, MONDO:0013839, OMIM 614653.

Allele frequency attached by ClinVar (database versions not stated): gnomAD exomes 0.00001 and 0.00005; gnomAD 0.00004; TOPMed 0.00005; ExAC 0.00011.
gnomAD v4.1: 13 of 1,567,826 alleles (0.00083%); highest among the groups gnomAD compares: East Asian, 0.03%; no homozygotes.

Submission:

Labcorp Genetics (formerly Invitae), Labcorp
Classification: Uncertain significance for Epidermolysis bullosa simplex 3, localized or generalized intermediate, with BP230 deficiency; Hereditary sensory and autonomic neuropathy type 6. Last evaluated: 2024-02-24. Review status: criteria provided, single submitter. Criteria: Invitae Variant Classification Sherloc (09022015). Collection method: clinical testing. Allele origin: germline.
Comment: The DST gene has multiple clinically relevant transcripts. This variant occurs in alternate transcript NM_015548.4, and corresponds to NM_001723.5:c.*86667C>G in the primary transcript. This sequence change replaces glutamine, which is neutral and polar, with glutamic acid, which is acidic and polar, at codon 3268 of the DST protein (p.Gln3268Glu). This variant is present in population databases (rs757060967, gnomAD 0.1%). This variant has not been reported in the literature in individuals affected with DST-related conditions. Experimental studies and prediction algorithms are not available or were not evaluated, and the functional significance of this variant is currently unknown. In summary, the available evidence is currently insufficient to determine the role of this variant in disease. Therefore, it has been classified as a Variant of Uncertain Significance.

NM_001374736.1(DST):c.17671C>G (p.Gln5891Glu)

Gene: DST (dystonin; minus strand). Cytogenetic location: 6p12.1.
Variant type: single nucleotide variant.
Coding change: c.17671C>G on transcript NM_001374736.1 (MANE Select); coding-DNA position 17671, C replaced by G.
Protein change: p.Gln5891Glu; replaces glutamine 5891 with glutamic acid.
Molecular consequence: missense variant.
Genome position (GRCh38, 1-based): chr6:56,528,850, G>C on the plus strand (C>G on the coding strand, the complement: DST is on the minus strand). VCF-style: chr6-56528850-G-C. GRCh37 (hg19) VCF-style: chr6-56393648-G-C.
Other names: c.11314C>G, p.Gln3772Glu (NM_001144769.5); c.10900C>G, p.Gln3634Glu (NM_001144770.2); c.17671C>G, p.Gln5891Glu (NM_001374722.1); c.16711C>G, p.Gln5571Glu (NM_001374729.1); c.10453C>G, p.Gln3485Glu (NM_001374730.1); c.17698C>G, p.Gln5900Glu (NM_001374734.1); c.10780C>G, p.Gln3594Glu (NM_001386100.1, NM_183380.4); c.9802C>G, p.Gln3268Glu (NM_015548.5); short protein forms Q3772E, Q5571E, Q3268E, Q3485E, Q5891E, Q5900E, Q3634E, Q3594E.
Identifiers: ClinVar variation 1035464 (VCV001035464.6), dbSNP rs757060967, ClinGen allele CA3867398.